The following is an entry in ClinVar:

ClinVar aggregate classification (germline): Benign. Review status: criteria provided, multiple submitters, no conflicts (2 of 4 stars). 3 submissions from 3 submitters: Benign (3). Last evaluated 2018-01-13.

Conditions:
Osteogenesis imperfecta type 10 (OI10). Also called: OI, TYPE X. Identifiers: Orphanet 666, MedGen C3151211, MONDO:0013459, OMIM 613848.

Allele frequency attached by ClinVar (database versions not stated): gnomAD exomes 0.00286; ExAC 0.01034; 1000 Genomes Project 0.02756; gnomAD 0.02974 and 0.03199; 1000 Genomes Project 30x 0.02998; ESP Exome Variant Server 0.02999; TOPMed 0.03374.

Submissions (3):

Illumina Laboratory Services, Illumina
Classification: Benign for Osteogenesis imperfecta type 10. Last evaluated: 2018-01-13. Review status: criteria provided, single submitter. Criteria: ICSL Variant Classification Criteria 13 December 2019. Collection method: clinical testing. Allele origin: germline.
Comment: This variant was observed in the ICSL laboratory as part of a predisposition screen in an ostensibly healthy population. It had not been previously curated by ICSL or reported in the Human Gene Mutation Database (HGMD: prior to June 1st, 2018), and was therefore a candidate for classification through an automated scoring system. Utilizing variant allele frequency, disease prevalence and penetrance estimates, and inheritance mode, an automated score was calculated to assess if this variant is too frequent to cause the disease. Based on the score and internal cut-off values, a variant classified as benign is not then subjected to further curation. The score for this variant resulted in a classification of benign for this disease.

GeneDx
Classification: Benign. Last evaluated: 2017-11-10. Review status: criteria provided, single submitter. Criteria: GeneDx Variant Classification (06012015). Collection method: clinical testing. Allele origin: germline. Affected: yes.
Comment: This variant is considered likely benign or benign based on one or more of the following criteria: it is a conservative change, it occurs at a poorly conserved position in the protein, it is predicted to be benign by multiple in silico algorithms, and/or has population frequency not consistent with disease.

Breakthrough Genomics
Classification: Benign. Review status: criteria provided, single submitter. Criteria: ACMG Guidelines, 2015. Collection method: not provided. Allele origin: germline. Inheritance: Multifactorial inheritance. Affected: yes.

NM_001235.5(SERPINH1):c.-19C>T

Gene: SERPINH1 (serpin family H member 1; plus strand). Cytogenetic location: 11q13.5.
Variant type: single nucleotide variant.
Coding change: c.-19C>T on transcript NM_001235.5 (MANE Select); 19 bases upstream of the start codon, C replaced by T.
Molecular consequence: 5 prime UTR variant.
Genome position (GRCh38, 1-based): chr11:75,566,331, C>T. VCF-style: chr11-75566331-C-T. GRCh37 (hg19) VCF-style: chr11-75277376-C-T.
Other names: c.-19C>T (NM_001207014.3).
Identifiers: ClinVar variation 306096 (VCV000306096.6), dbSNP rs78910605, ClinGen allele CA6190692.